The following is an entry in ClinVar:

NM_004629.2(FANCG):c.1647C>G (p.Asp549Glu)

Gene: FANCG (FA complementation group G; minus strand). Cytogenetic location: 9p13.3.
Variant type: single nucleotide variant.
Coding change: c.1647C>G on transcript NM_004629.2 (MANE Select); coding-DNA position 1647, C replaced by G.
Protein change: p.Asp549Glu; replaces aspartic acid 549 with glutamic acid.
Molecular consequence: missense variant.
Genome position (GRCh38, 1-based): chr9:35,074,484, G>C on the plus strand (C>G on the coding strand, the complement: FANCG is on the minus strand). VCF-style: chr9-35074484-G-C. GRCh37 (hg19) VCF-style: chr9-35074481-G-C.
Other names: short protein forms D549E.
Identifiers: ClinVar variation 4022546 (VCV004022546.1).

ClinVar aggregate classification (germline): Uncertain significance (1 of 4 stars; one submission).

Conditions:
Inborn genetic diseases. Identifiers: MedGen C0950123, MeSH D030342.

Submission:

Ambry Genetics
Classification: Uncertain significance for Inborn genetic diseases. Last evaluated: 2025-05-31. Review status: criteria provided, single submitter. Criteria: Ambry Variant Classification Scheme 2023. Collection method: clinical testing. Allele origin: germline.
Comment: The p.D549E variant (also known as c.1647C>G), located in coding exon 13 of the FANCG gene, results from a C to G substitution at nucleotide position 1647. The aspartic acid at codon 549 is replaced by glutamic acid, an amino acid with highly similar properties. This amino acid position is conserved. In addition, this alteration is predicted to be tolerated by in silico analysis. Based on the available evidence, the clinical significance of this variant remains unclear.